The following is an entry in ClinVar:

ClinVar aggregate classification (germline): Uncertain significance (1 of 4 stars; one submission).

Conditions:
Familial acute necrotizing encephalopathy (IIAE3). Also called: ENCEPHALOPATHY, ACUTE, INFECTION-INDUCED, SUSCEPTIBILITY TO, 3; Susceptibility to Acute Necrotizing Encephalopathy 1. Identifiers: Orphanet 88619, MedGen C2675556, MONDO:0011953, OMIM 608033.

Allele frequency attached by ClinVar (database versions not stated): TOPMed below 0.00001; gnomAD 0.00001.
gnomAD v4.1: 1 of 1,614,010 alleles (0.000062%); highest among the groups gnomAD compares: African/African-American, 0.0013%; no homozygotes.

Submission:

Labcorp Genetics (formerly Invitae), Labcorp
Classification: Uncertain significance for Familial acute necrotizing encephalopathy. Last evaluated: 2022-02-05. Review status: criteria provided, single submitter. Criteria: Invitae Variant Classification Sherloc (09022015). Collection method: clinical testing. Allele origin: germline.
Comment: Algorithms developed to predict the effect of missense changes on protein structure and function are either unavailable or do not agree on the potential impact of this missense change (SIFT: "Deleterious"; PolyPhen-2: "Benign"; Align-GVGD: "Class C15"). ClinVar contains an entry for this variant (Variation ID: 1051475). This variant has not been reported in the literature in individuals affected with RANBP2-related conditions. This variant is not present in population databases (gnomAD no frequency). This sequence change replaces threonine, which is neutral and polar, with isoleucine, which is neutral and non-polar, at codon 1004 of the RANBP2 protein (p.Thr1004Ile). In summary, the available evidence is currently insufficient to determine the role of this variant in disease. Therefore, it has been classified as a Variant of Uncertain Significance.

NM_006267.5(RANBP2):c.3011C>T (p.Thr1004Ile)

Gene: RANBP2 (RAN binding protein 2; plus strand). Cytogenetic location: 2q13.
Variant type: single nucleotide variant.
Coding change: c.3011C>T on transcript NM_006267.5 (MANE Select); coding-DNA position 3011, C replaced by T.
Protein change: p.Thr1004Ile; replaces threonine 1004 with isoleucine.
Molecular consequence: missense variant.
Genome position (GRCh38, 1-based): chr2:108,763,550, C>T. VCF-style: chr2-108763550-C-T. GRCh37 (hg19) VCF-style: chr2-109380006-C-T.
Other names: short protein forms T1004I.
Identifiers: ClinVar variation 1051475 (VCV001051475.10), dbSNP rs1416817626, ClinGen allele CA348060522.
Genomic context (GRCh38, chr2:108,763,550, plus strand): 5'-CTCCGATTGCAGCTCATGCTTCAAGATCTGCAGAATCTAAGACTATAGAATTTGGGAAAA[C>T]TAATTTTGTTCAGCCCATGCCGGGTGAAGGATTAAGGCCATCTTTGCCAACACAAGCACA-3'
Protein context (NP_006258.3, residues 994-1014): AESKTIEFGK[Thr1004Ile]NFVQPMPGEG